The following is an entry in ClinVar:

ClinVar aggregate classification (germline): Uncertain significance (1 of 4 stars; one submission).

Submission:

Labcorp Genetics (formerly Invitae), Labcorp
Classification: Uncertain significance. Last evaluated: 2024-08-14. Review status: criteria provided, single submitter. Criteria: Invitae Variant Classification Sherloc (09022015). Collection method: clinical testing. Allele origin: germline.
Comment: This sequence change replaces histidine, which is basic and polar, with glutamine, which is neutral and polar, at codon 254 of the THBD protein (p.His254Gln). This variant is not present in population databases (gnomAD no frequency). This variant has not been reported in the literature in individuals affected with THBD-related conditions. Invitae Evidence Modeling of protein sequence and biophysical properties (such as structural, functional, and spatial information, amino acid conservation, physicochemical variation, residue mobility, and thermodynamic stability) indicates that this missense variant is not expected to disrupt THBD protein function with a negative predictive value of 80%. In summary, the available evidence is currently insufficient to determine the role of this variant in disease. Therefore, it has been classified as a Variant of Uncertain Significance.

NM_000361.3(THBD):c.762C>G (p.His254Gln)

Gene: THBD (thrombomodulin; minus strand). Cytogenetic location: 20p11.21.
Variant type: single nucleotide variant.
Coding change: c.762C>G on transcript NM_000361.3 (MANE Select); coding-DNA position 762, C replaced by G.
Protein change: p.His254Gln; replaces histidine 254 with glutamine.
Molecular consequence: missense variant.
Genome position (GRCh38, 1-based): chr20:23,048,743, G>C on the plus strand (C>G on the coding strand, the complement: THBD is on the minus strand). VCF-style: chr20-23048743-G-C. GRCh37 (hg19) VCF-style: chr20-23029380-G-C.
Other names: short protein forms H254Q.
Identifiers: ClinVar variation 2867961 (VCV002867961.3), dbSNP rs1221272798, ClinGen allele CA408406995.